The following is an entry in ClinVar:

NM_007294.4(BRCA1):c.212+1del

Gene: BRCA1 (BRCA1 DNA repair associated; minus strand). Cytogenetic location: 17q21.31.
Variant type: Deletion.
Coding change: c.212+1del on transcript NM_007294.4 (MANE Select); the canonical splice donor site of the intron after coding-DNA position 212, one base deleted (G; older notation c.212+1delG).
Molecular consequence: splice donor variant. On other transcripts: intron variant (95).
Genome position (GRCh38, 1-based): chr17:43,106,455, C deleted on the plus strand (G on the coding strand, the reverse complement: BRCA1 is on the minus strand); the first of 2 consecutive C bases (chr17:43,106,455-43,106,456); deleting either gives the same sequence. VCF-style (leftmost placement, unchanged base first): chr17-43106454-AC-A. GRCh37 (hg19) VCF-style: chr17-41258471-AC-A.
Other names: c.212+1delG (NM_007294.3); c.71+1del (NM_001408458.1, NM_001407931.1, NM_001407747.1 and 99 more transcripts); c.-218-11595del (NM_001407967.1, NM_001407966.1); c.-169-1499del (NM_001407959.1, NM_001407962.1, NM_001408512.1 and 4 more transcripts); c.2+23del (NM_001407885.1, NM_001407886.1, NM_001407898.1 and 58 more transcripts); c.212+1del (NM_001407686.1, NM_001408397.1, NM_001407632.1 and 167 more transcripts); c.81-1499del (NM_001408451.1); c.135-1499del (NM_001408475.1, NM_001407875.1, NM_001407659.1 and 21 more transcripts).
Identifiers: ClinVar variation 187171 (VCV000187171.6), dbSNP rs786203526, ClinGen allele CA001404.

ClinVar aggregate classification (germline): Likely pathogenic (1 of 4 stars; one submission).

Conditions:
Hereditary cancer-predisposing syndrome. Also called: Neoplastic Syndromes, Hereditary; Tumor predisposition; Hereditary Cancer Syndrome; Hereditary neoplastic syndrome. Identifiers: Orphanet 140162, MedGen C0027672, MeSH D009386, MONDO:0015356.

Submission:

Ambry Genetics
Classification: Likely pathogenic for Hereditary cancer-predisposing syndrome. Last evaluated: 2014-11-14. Review status: criteria provided, single submitter. Criteria: Ambry Variant Classification Scheme 2023. Collection method: clinical testing. Allele origin: germline.
Comment: The c.212+1delG intronic variant (also known as IVS5+1delG) results from a from a deletion of one nucleotide after coding exon 3 of the BRCA1 gene. This variant was not reported in population based cohorts in the following databases: Database of Single Nucleotide Polymorphisms (dbSNP), NHLBI Exome Sequencing Project (ESP), and 1000 Genomes Project. In the ESP, this variant was not observed in 6494 samples (12988 alleles) with coverage at this position. To date, this alteration has been detected with an allele frequency of approximately 0.002% (greater than 64,000 alleles tested) in our clinical cohort. Based on nucleotide sequence alignment, this position is highly conserved in available vertebrate species. Using the splice site tool BDGP, this alteration is predicted by to abolish the native donor splice site, but is predicted to weaken (but not abolish) the efficacy of the native donor splice site by a different tool, ESEfinder; however, direct evidence is unavailable. Alterations that disrupt the canonical splice donor site are typically deleterious in nature (ACMG Recommendations for Standards for Interpretation and Reporting of Sequence Variations. Revision 2007. Genet Med. 2008;10:294). As such, the c.212+1delG variant is classified as likely pathogenic.